The following is an entry in ClinVar:

NM_001283009.2(RTEL1):c.1346G>A (p.Arg449Gln)

Genes: RTEL1-TNFRSF6B (RTEL1-TNFRSF6B readthrough (NMD candidate); plus strand), RTEL1 (regulator of telomere elongation helicase 1; plus strand). Cytogenetic location: 20q13.33.
Variant type: single nucleotide variant.
Coding change: c.1346G>A on transcript NM_001283009.2 (MANE Select); coding-DNA position 1346, G replaced by A.
Protein change: p.Arg449Gln; replaces arginine 449 with glutamine.
Molecular consequence: missense variant. On other transcripts: non-coding transcript variant (1).
Genome position (GRCh38, 1-based): chr20:63,685,870, G>A. VCF-style: chr20-63685870-G-A. GRCh37 (hg19) VCF-style: chr20-62317223-G-A.
Other names: c.677G>A, p.Arg226Gln (NM_001283010.1); c.1346G>A, p.Arg449Gln (NM_016434.4); c.1418G>A, p.Arg473Gln (NM_032957.5); short protein forms R226Q, R449Q, R473Q.
Identifiers: ClinVar variation 860223 (VCV000860223.9), dbSNP rs779873020, ClinGen allele CA9964741.
Genomic context (GRCh38, chr20:63,685,870, plus strand): 5'-CTGGTCACCGGAGGACGGCTCAGCGGTCTGATGCCTGGAGCACCACTGCAGCCAGAAAGC[G>A]AGGTACAGACCTGGGCCCACACGCTCCCCGCCCGCCCGGGTGCAGTGCCCGGCACCACCA-3'
Protein context (NP_001269938.1, residues 439-459): DAWSTTAARK[Arg449Gln]GKVLSYWCFS

ClinVar aggregate classification (germline): Conflicting classifications of pathogenicity. Review status: criteria provided, conflicting classifications (1 of 4 stars). 4 submissions from 4 submitters: Uncertain significance (2); Likely benign (1). 1 of the submissions does not count toward it. Last evaluated 2025-11-27.

Conditions:
RTEL1-related disorder. Also called: RTEL1-related disorders; RTEL1-related condition.
Dyskeratosis congenita, autosomal recessive 5 (DKCB5). Identifiers: MedGen C3554656, MONDO:0014076, OMIM 615190.
Pulmonary fibrosis and/or bone marrow failure, Telomere-related, 3. Also called: PULMONARY FIBROSIS AND/OR BONE MARROW FAILURE SYNDROME, TELOMERE-RELATED, 3. Identifiers: Orphanet 2032, MedGen C4225346, MONDO:0014613, OMIM 616373.
Inborn genetic diseases. Identifiers: MedGen C0950123, MeSH D030342.
Dyskeratosis congenita. Identifiers: Orphanet 1775, MedGen C0265965, MONDO:0015780.

Allele frequency attached by ClinVar (database versions not stated): gnomAD 0.00001 and 0.00002; TOPMed 0.00004; gnomAD exomes 0.00005; ExAC 0.00007.
gnomAD v4.1: 84 of 1,612,212 alleles (0.0052%); highest among the groups gnomAD compares: Middle Eastern, 0.016%; no homozygotes.

Submissions (4):

Labcorp Genetics (formerly Invitae), Labcorp
Classification: Uncertain significance for Dyskeratosis congenita, autosomal recessive 5; Pulmonary fibrosis and/or bone marrow failure, Telomere-related, 3. Last evaluated: 2025-11-27. Review status: criteria provided, single submitter. Criteria: Invitae Variant Classification Sherloc (09022015). Collection method: clinical testing. Allele origin: germline.
Comment: This sequence change replaces arginine, which is basic and polar, with glutamine, which is neutral and polar, at codon 449 of the RTEL1 protein (p.Arg449Gln). This variant is present in population databases (rs779873020, gnomAD 0.01%). This variant has not been reported in the literature in individuals affected with RTEL1-related conditions. This variant is also known as c.1418G>A (p.Arg473Gln). ClinVar contains an entry for this variant (Variation ID: 860223). An algorithm developed to predict the effect of missense changes on protein structure and function outputs the following: PolyPhen-2: "Benign". The glutamine amino acid residue is found in multiple mammalian species, which suggests that this missense change does not adversely affect protein function. In summary, the available evidence is currently insufficient to determine the role of this variant in disease. Therefore, it has been classified as a Variant of Uncertain Significance.

PreventionGenetics, part of Exact Sciences
Classification: Uncertain significance for RTEL1-related condition. Last evaluated: 2025-09-03. Review status: criteria provided, single submitter. Criteria: ACMG Guidelines, 2015. Collection method: clinical testing. Allele origin: germline.
Comment: The RTEL1 c.1418G>A variant is predicted to result in the amino acid substitution p.Arg473Gln. To our knowledge, this variant has not been reported in the literature. This variant is reported in 0.0099% of alleles in individuals of South Asian descent in gnomAD, and has conflicting interpretations in ClinVar ranging from likely benign to uncertain (Variation ID: 860223). At this time, the clinical significance of this variant is uncertain due to the absence of conclusive functional and genetic evidence.

Ambry Genetics
Classification: Likely benign for Inborn genetic diseases. Last evaluated: 2024-04-14. Review status: criteria provided, single submitter. Criteria: Ambry Variant Classification Scheme 2023. Collection method: clinical testing. Allele origin: germline.

Natera, Inc.
Classification: Uncertain significance for Dyskeratosis congenita. Last evaluated: 2020-01-17. Review status: no assertion criteria provided. Collection method: clinical testing. Allele origin: germline. Not counted in ClinVar's aggregate classification.